The following is an entry in ClinVar:

ClinVar aggregate classification (germline): Uncertain significance (1 of 4 stars; one submission).

Conditions:
Atrial fibrillation, familial, 18 (ATFB18). Identifiers: MedGen C4310636, MONDO:0015001, OMIM 617280.

gnomAD v4.1: 7 of 1,614,070 alleles (0.00043%); highest among the groups gnomAD compares: African/African-American, 0.0067%; no homozygotes.

Submission:

Labcorp Genetics (formerly Invitae), Labcorp
Classification: Uncertain significance for Atrial fibrillation, familial, 18. Last evaluated: 2024-04-16. Review status: criteria provided, single submitter. Criteria: Invitae Variant Classification Sherloc (09022015). Collection method: clinical testing. Allele origin: germline.
Comment: This sequence change replaces glutamine, which is neutral and polar, with proline, which is neutral and non-polar, at codon 173 of the MYL4 protein (p.Gln173Pro). This variant is present in population databases (rs373421058, gnomAD 0.007%). This variant has not been reported in the literature in individuals affected with MYL4-related conditions. An algorithm developed to predict the effect of missense changes on protein structure and function (PolyPhen-2) suggests that this variant is likely to be disruptive. In summary, the available evidence is currently insufficient to determine the role of this variant in disease. Therefore, it has been classified as a Variant of Uncertain Significance.

NM_002476.2(MYL4):c.518A>C (p.Gln173Pro)

Gene: MYL4 (myosin light chain 4; plus strand). Cytogenetic location: 17q21.32.
Variant type: single nucleotide variant.
Coding change: c.518A>C on transcript NM_002476.2 (MANE Select); coding-DNA position 518, A replaced by C.
Protein change: p.Gln173Pro; replaces glutamine 173 with proline.
Molecular consequence: missense variant.
Genome position (GRCh38, 1-based): chr17:47,222,410, A>C. VCF-style: chr17-47222410-A-C. GRCh37 (hg19) VCF-style: chr17-45299776-A-C.
Other names: c.518A>C, p.Gln173Pro (NM_001002841.2); short protein forms Q173P.
Identifiers: ClinVar variation 3717881 (VCV003717881.2).